The following is an entry in ClinVar:

NM_000276.4(OCRL):c.1315A>G (p.Ile439Val)

Gene: OCRL (OCRL inositol polyphosphate-5-phosphatase; plus strand). Cytogenetic location: Xq26.1.
Variant type: single nucleotide variant.
Coding change: c.1315A>G on transcript NM_000276.4 (MANE Select); coding-DNA position 1315, A replaced by G.
Protein change: p.Ile439Val; replaces isoleucine 439 with valine.
Molecular consequence: missense variant.
Genome position (GRCh38, 1-based): chrX:129,565,842, A>G. VCF-style: chrX-129565842-A-G. GRCh37 (hg19) VCF-style: chrX-128699819-A-G.
Other names: c.1318A>G, p.Ile440Val (NM_001318784.2); c.1315A>G, p.Ile439Val (NM_001587.4); short protein forms I439V, I440V.
Identifiers: ClinVar variation 3359531 (VCV003359531.1).

ClinVar aggregate classification (germline): Uncertain significance (1 of 4 stars; one submission).

Submission:

GeneDx
Classification: Uncertain significance. Last evaluated: 2023-06-05. Review status: criteria provided, single submitter. Criteria: GeneDx Variant Classification Process June 2021. Collection method: clinical testing. Allele origin: germline. Affected: yes.
Comment: Not observed at significant frequency in large population cohorts (gnomAD); In silico analysis supports that this missense variant does not alter protein structure/function; Has not been previously published as pathogenic or benign to our knowledge